The following is an entry in ClinVar:

ClinVar aggregate classification (germline): Uncertain significance (1 of 4 stars; one submission).

gnomAD v4.1: 1 of 1,614,092 alleles (0.000062%); highest among the groups gnomAD compares: Non-Finnish European, 0.000085%; no homozygotes.

Submission:

Labcorp Genetics (formerly Invitae), Labcorp
Classification: Uncertain significance. Last evaluated: 2025-11-21. Review status: criteria provided, single submitter. Criteria: Invitae Variant Classification Sherloc (09022015). Collection method: clinical testing. Allele origin: germline.
Comment: This sequence change replaces valine, which is neutral and non-polar, with isoleucine, which is neutral and non-polar, at codon 220 of the TGM6 protein (p.Val220Ile). This variant is not present in population databases (gnomAD no frequency). This variant has not been reported in the literature in individuals affected with TGM6-related conditions. Invitae Evidence Modeling of protein sequence and biophysical properties (such as structural, functional, and spatial information, amino acid conservation, physicochemical variation, residue mobility, and thermodynamic stability) indicates that this missense variant is not expected to disrupt TGM6 protein function with a negative predictive value of 80%. In summary, the available evidence is currently insufficient to determine the role of this variant in disease. Therefore, it has been classified as a Variant of Uncertain Significance.

NM_198994.3(TGM6):c.658G>A (p.Val220Ile)

Gene: TGM6 (transglutaminase 6; plus strand). Cytogenetic location: 20p13.
Variant type: single nucleotide variant.
Coding change: c.658G>A on transcript NM_198994.3 (MANE Select); coding-DNA position 658, G replaced by A.
Protein change: p.Val220Ile; replaces valine 220 with isoleucine.
Molecular consequence: missense variant.
Genome position (GRCh38, 1-based): chr20:2,398,032, G>A. VCF-style: chr20-2398032-G-A. GRCh37 (hg19) VCF-style: chr20-2378678-G-A.
Other names: c.658G>A, p.Val220Ile (NM_001254734.2); short protein forms V220I.
Identifiers: ClinVar variation 4696130 (VCV004696130.1).